The following is an entry in ClinVar:

ClinVar aggregate classification (germline): Conflicting classifications of pathogenicity. Review status: criteria provided, conflicting classifications (1 of 4 stars). 3 submissions from 3 submitters: Uncertain significance (2); Likely benign (1). Last evaluated 2026-06-19.

Conditions:
SOX10-related disorder. Also called: SOX10-related condition.

gnomAD v4.1: 19 of 1,611,792 alleles (0.0012%); highest among the groups gnomAD compares: African/African-American, 0.021%; no homozygotes.

Submissions (3):

PreventionGenetics, part of Exact Sciences
Classification: Uncertain significance for SOX10-related condition. Last evaluated: 2026-06-19. Review status: criteria provided, single submitter. Criteria: ACMG Guidelines, 2015. Collection method: clinical testing. Allele origin: germline.
Comment: The SOX10 c.932G>A variant is predicted to result in the amino acid substitution p.Ser311Asn. To our knowledge, this variant has not been reported in the literature. This variant is reported in 0.020% of alleles in individuals of African descent in gnomAD. Although we suspect that this variant may be benign, at this time, the clinical significance of this variant is uncertain due to the absence of conclusive functional and genetic evidence.

Labcorp Genetics (formerly Invitae), Labcorp
Classification: Likely benign. Last evaluated: 2025-06-13. Review status: criteria provided, single submitter. Criteria: Invitae Variant Classification Sherloc (09022015). Collection method: clinical testing. Allele origin: germline.

Mayo Clinic Laboratories, Mayo Clinic
Classification: Uncertain significance. Last evaluated: 2022-11-01. Review status: criteria provided, single submitter. Criteria: ACMG Guidelines, 2015. Collection method: clinical testing. Allele origin: germline. Observed: 1 variant allele.
Comment: BS2

NM_006941.4(SOX10):c.932G>A (p.Ser311Asn)

Genes: POLR2F (RNA polymerase II, I and III subunit F; plus strand), SOX10 (SRY-box transcription factor 10; minus strand). Cytogenetic location: 22q13.1.
Variant type: single nucleotide variant.
Coding change: c.932G>A on transcript NM_006941.4 (MANE Select); coding-DNA position 932, G replaced by A.
Protein change: p.Ser311Asn; replaces serine 311 with asparagine.
Molecular consequence: missense variant. On other transcripts: intron variant (3).
Genome position (GRCh38, 1-based): chr22:37,973,964, C>T on the plus strand (G>A on the coding strand, the complement: SOX10 is on the minus strand). VCF-style: chr22-37973964-C-T. GRCh37 (hg19) VCF-style: chr22-38369971-C-T.
Other names: p.Ser311Asn; c.*38+1654C>T (NM_001363825.1); c.293+6794C>T (NM_001301130.2, NM_001301131.2); short protein forms S311N.
Identifiers: ClinVar variation 2683575 (VCV002683575.5), dbSNP rs150327222, ClinGen allele CA10228562.